The following is an entry in ClinVar:

NM_004208.4(AIFM1):c.29G>A (p.Gly10Asp)

Genes: RAB33A (RAB33A, member RAS oncogene family; plus strand), AIFM1 (apoptosis inducing factor mitochondria associated 1; minus strand), LOC130068679 (ATAC-STARR-seq lymphoblastoid active region 29939; plus strand). Cytogenetic location: Xq26.1.
Variant type: single nucleotide variant.
Coding change: c.29G>A on transcript NM_004208.4 (MANE Select); coding-DNA position 29, G replaced by A.
Protein change: p.Gly10Asp; replaces glycine 10 with aspartic acid.
Molecular consequence: missense variant. On other transcripts: non-coding transcript variant (1).
Genome position (GRCh38, 1-based): chrX:130,165,628, C>T on the plus strand (G>A on the coding strand, the complement: AIFM1 is on the minus strand). VCF-style: chrX-130165628-C-T. GRCh37 (hg19) VCF-style: chrX-129299602-C-T.
Other names: c.29G>A, p.Gly10Asp (NM_001130847.4, NM_145812.3); short protein forms G10D.
Identifiers: ClinVar variation 1038285 (VCV001038285.9), dbSNP rs143831137, ClinGen allele CA10515549.
Genomic context (GRCh38, chrX:130,165,628, plus strand): 5'-TGCCTCGGGCTTCGGACGCACACGGTCCGCACCAAGGGCACCAGCTTCTGCTTCAAAGCA[C>T]CCGCCGCCAGGCCTCCACACCGGAACATTTCGGCGACCGCTATTCGGGACCTCCTCCTTC-3'
Protein context (NP_004199.1, residues 1-20): MFRCGGLAA[Gly10Asp]ALKQKLVPLV

ClinVar aggregate classification (germline): Uncertain significance (1 of 4 stars; one submission).

Conditions:
Combined oxidative phosphorylation deficiency. Identifiers: MedGen C4540031, MONDO:0000732.
Charcot-Marie-Tooth Neuropathy X. Identifiers: MedGen CN118851.

Allele frequency attached by ClinVar (database versions not stated): gnomAD exomes 0.00002; ExAC 0.00003; gnomAD 0.00003; TOPMed 0.00003; ESP Exome Variant Server 0.00009.
gnomAD v4.1: 21 of 1,200,500 alleles (0.0017%); highest among the groups gnomAD compares: Admixed American, 0.0022%; no homozygotes.

Submission:

Labcorp Genetics (formerly Invitae), Labcorp
Classification: Uncertain significance for Charcot-Marie-Tooth Neuropathy X; Combined oxidative phosphorylation deficiency. Last evaluated: 2024-05-31. Review status: criteria provided, single submitter. Criteria: Invitae Variant Classification Sherloc (09022015). Collection method: clinical testing. Allele origin: germline.
Comment: This sequence change replaces glycine, which is neutral and non-polar, with aspartic acid, which is acidic and polar, at codon 10 of the AIFM1 protein (p.Gly10Asp). This variant is present in population databases (rs143831137, gnomAD 0.004%), including at least one homozygous and/or hemizygous individual. This variant has not been reported in the literature in individuals affected with AIFM1-related conditions. ClinVar contains an entry for this variant (Variation ID: 1038285). Advanced modeling of protein sequence and biophysical properties (such as structural, functional, and spatial information, amino acid conservation, physicochemical variation, residue mobility, and thermodynamic stability) has been performed at Invitae for this missense variant, however the output from this modeling did not meet the statistical confidence thresholds required to predict the impact of this variant on AIFM1 protein function. In summary, the available evidence is currently insufficient to determine the role of this variant in disease. Therefore, it has been classified as a Variant of Uncertain Significance.